The following is an entry in ClinVar:

NM_001379451.1(BCORL1):c.3745G>A (p.Val1249Ile)

Gene: BCORL1 (BCL6 corepressor like 1; plus strand). Cytogenetic location: Xq26.1.
Variant type: single nucleotide variant.
Coding change: c.3745G>A on transcript NM_001379451.1 (MANE Select); coding-DNA position 3745, G replaced by A.
Protein change: p.Val1249Ile; replaces valine 1249 with isoleucine.
Molecular consequence: missense variant.
Genome position (GRCh38, 1-based): chrX:130,025,046, G>A. VCF-style: chrX-130025046-G-A. GRCh37 (hg19) VCF-style: chrX-129159021-G-A.
Other names: c.3745G>A, p.Val1249Ile (NM_001184772.3, NM_001379450.1, NM_021946.5); c.3745G>A (NM_021946.4); short protein forms V1249I.
Identifiers: ClinVar variation 1206309 (VCV001206309.5), dbSNP rs150252607, ClinGen allele CA10514580.

ClinVar aggregate classification (germline): Uncertain significance. Review status: criteria provided, multiple submitters, no conflicts (2 of 4 stars). 5 submissions from 5 submitters: Uncertain significance (2). 3 of the submissions do not count toward it. Last evaluated 2025-05-14.

Conditions:
BCORL1-related disorder. Also called: BCORL1-related condition.

Allele frequency attached by ClinVar (database versions not stated): gnomAD 0.00002; TOPMed 0.00002; gnomAD exomes 0.00001; ESP Exome Variant Server 0.00019; ExAC 0.00002.
gnomAD v4.1: 18 of 1,210,285 alleles (0.0015%); highest among the groups gnomAD compares: Middle Eastern, 0.092%; no homozygotes.

Submissions (5):

Ambry Genetics
Classification: Uncertain significance. Last evaluated: 2025-05-14. Review status: criteria provided, single submitter. Criteria: Ambry Variant Classification Scheme 2023. Collection method: clinical testing. Allele origin: germline.

Breakthrough Genomics
Classification: Uncertain significance. Review status: criteria provided, single submitter. Criteria: ACMG Guidelines, 2015. Collection method: not provided. Allele origin: germline. Inheritance: X-linked recessive inheritance. Affected: yes.

PreventionGenetics, part of Exact Sciences
Classification: Uncertain significance for BCORL1-related condition. Last evaluated: 2024-05-21. Review status: no assertion criteria provided. Collection method: clinical testing. Allele origin: germline. Not counted in ClinVar's aggregate classification.
Comment: The BCORL1 c.3745G>A variant is predicted to result in the amino acid substitution p.Val1249Ile. To our knowledge, this variant has not been reported in the literature. This variant is reported in 0.0024% of alleles in individuals of European (Non-Finnish) descent in gnomAD. At this time, the clinical significance of this variant is uncertain due to the absence of conclusive functional and genetic evidence.

Clinical Genetics DNA and cytogenetics Diagnostics Lab, Erasmus MC, Erasmus Medical Center
Classification: Uncertain significance. Review status: no assertion criteria provided. Collection method: clinical testing. Allele origin: germline. Affected: yes. Study: VKGL Data-share Consensus. Not counted in ClinVar's aggregate classification.

Laboratory of Diagnostic Genome Analysis, Leiden University Medical Center (LUMC)
Classification: Uncertain significance. Review status: no assertion criteria provided. Collection method: clinical testing. Allele origin: germline. Affected: yes. Study: VKGL Data-share Consensus. Not counted in ClinVar's aggregate classification.